The following is an entry in ClinVar:

NM_000138.5(FBN1):c.1838-2A>C

Gene: FBN1 (fibrillin 1; minus strand). Cytogenetic location: 15q21.1.
Variant type: single nucleotide variant.
Coding change: c.1838-2A>C on transcript NM_000138.5 (MANE Select); the canonical splice acceptor site of the intron before coding-DNA position 1838, A replaced by C.
Molecular consequence: splice acceptor variant.
Genome position (GRCh38, 1-based): chr15:48,505,149, T>G on the plus strand (A>C on the coding strand, the complement: FBN1 is on the minus strand). VCF-style: chr15-48505149-T-G. GRCh37 (hg19) VCF-style: chr15-48797346-T-G.
Other names: c.1838-2A>C (NM_001406716.1).
Identifiers: ClinVar variation 3754802 (VCV003754802.2).

ClinVar aggregate classification (germline): Pathogenic (1 of 4 stars; one submission).

Conditions:
Marfan syndrome (MFS). Also called: MARFAN SYNDROME, TYPE I; Marfan syndrome type 1; Marfan's syndrome; Marfan syndrome, classic; FBN1-Related Marfan Syndrome. Identifiers: Orphanet 284963, Orphanet 558, MedGen C0024796, MONDO:0007947, OMIM 154700.
Familial thoracic aortic aneurysm and aortic dissection (TAAD). Also called: Thoracic aortic aneurysms and dissections. Identifiers: Orphanet 91387, MedGen C4707243, MONDO:0019625.

Submission:

Labcorp Genetics (formerly Invitae), Labcorp
Classification: Pathogenic for Marfan syndrome; Familial thoracic aortic aneurysm and aortic dissection. Last evaluated: 2024-03-05. Review status: criteria provided, single submitter. Criteria: Invitae Variant Classification Sherloc (09022015). Collection method: clinical testing. Allele origin: germline.
Comment: This sequence change affects an acceptor splice site in intron 15 of the FBN1 gene. It is expected to disrupt RNA splicing. Variants that disrupt the donor or acceptor splice site typically lead to a loss of protein function (PMID: 16199547), and loss-of-function variants in FBN1 are known to be pathogenic (PMID: 17657824, 19293843). This variant is not present in population databases (gnomAD no frequency). Disruption of this splice site has been observed in individuals with Marfan syndrome (PMID: 15241795, 16342915; Invitae). Algorithms developed to predict the effect of sequence changes on RNA splicing suggest that this variant may disrupt the consensus splice site. For these reasons, this variant has been classified as Pathogenic.

Literature cited by the submitters: PubMed 16199547; PubMed 17657824; PubMed 19293843; PubMed 15241795; PubMed 16342915.